The following is an entry in ClinVar:

NM_019076.5(UGT1A8):c.855+63761A>G

Genes: UGT1A8 (UDP glucuronosyltransferase family 1 member A8; plus strand), UGT1A9 (UDP glucuronosyltransferase family 1 member A9; plus strand), UGT1A (UDP glucuronosyltransferase family 1 member A complex locus; plus strand), UGT1A10 (UDP glucuronosyltransferase family 1 member A10; plus strand), UGT1A7 (UDP glucuronosyltransferase family 1 member A7; plus strand). Cytogenetic location: 2q37.1.
Variant type: single nucleotide variant.
Coding change: c.855+63761A>G on transcript NM_019076.5 (MANE Select); 63761 bases into the intron after coding-DNA position 855, A replaced by G.
Molecular consequence: intron variant. On other transcripts: missense variant (1).
Genome position (GRCh38, 1-based): chr2:233,682,323, A>G. VCF-style: chr2-233682323-A-G. GRCh37 (hg19) VCF-style: chr2-234590969-A-G.
Other names: c.386A>G, p.Asn129Ser (NM_019077.3); c.855+44946A>G (NM_019075.4); c.855+9534A>G (NM_021027.3); short protein forms N129S.
Identifiers: ClinVar variation 1330729 (VCV001330729.18), dbSNP rs56385016, ClinGen allele CA2178265.
Genomic context (GRCh38, chr2:233,682,323, plus strand): 5'-TAACAAGTTCATCCAATGGTATTTTTGACTTATTTTTTTCAAATTGCAGGAGTTTGTTTA[A>G]TGACCGAAAATTAGTAGAATACTTAAAGGAGAGTTGTTTTGATGCAGTGTTTCTCGATCC-3'

ClinVar aggregate classification (germline): Likely benign. Review status: criteria provided, multiple submitters, no conflicts (2 of 4 stars). 3 submissions from 3 submitters: Likely benign (3). Last evaluated 2026-09-01.

Allele frequency attached by ClinVar (database versions not stated): ESP Exome Variant Server 0.00069; 1000 Genomes Project 0.00280; 1000 Genomes Project 30x 0.00281; TOPMed 0.00557; gnomAD 0.00645 and 0.00660; gnomAD exomes 0.00721 and 0.00865; ExAC 0.00797.
gnomAD v4.1: 13,601 of 1,614,124 alleles (0.84%); highest among the groups gnomAD compares: Non-Finnish European, 0.98%; 82 homozygotes.

Submissions (3):

CeGaT Center for Human Genetics Tuebingen
Classification: Likely benign. Last evaluated: 2026-09-01. Review status: criteria provided, single submitter. Criteria: CeGaT Center For Human Genetics Tuebingen Variant Classification Criteria Version 2. Collection method: clinical testing. Allele origin: germline. Affected: yes. Observed: 2 variant alleles.
Comment: UGT1A7: BP4, BS2

ARUP Laboratories, Molecular Genetics and Genomics, ARUP Laboratories
Classification: Likely benign. Last evaluated: 2025-07-11. Review status: criteria provided, single submitter. Criteria: ARUP Molecular Germline Variant Investigation Process 2024. Collection method: clinical testing. Allele origin: germline.

GeneDx
Classification: Likely benign. Last evaluated: 2018-07-09. Review status: criteria provided, single submitter. Criteria: GeneDx Variant Classification Process June 2021. Collection method: clinical testing. Allele origin: germline. Affected: yes.
Comment: See Variant Classification Assertion Criteria.